The following is an entry in ClinVar:

NM_134261.3(RORA):c.506A>T (p.Gln169Leu)

Genes: RORA (RAR related orphan receptor A; minus strand), RORA-AS1 (RORA antisense RNA 1; plus strand). Cytogenetic location: 15q22.2.
Variant type: single nucleotide variant.
Coding change: c.506A>T on transcript NM_134261.3 (MANE Select); coding-DNA position 506, A replaced by T.
Protein change: p.Gln169Leu; replaces glutamine 169 with leucine.
Molecular consequence: missense variant.
Genome position (GRCh38, 1-based): chr15:60,511,540, T>A on the plus strand (A>T on the coding strand, the complement: RORA is on the minus strand). VCF-style: chr15-60511540-T-A. GRCh37 (hg19) VCF-style: chr15-60803739-T-A.
Other names: c.581A>T, p.Gln194Leu (NM_002943.4); c.605A>T, p.Gln202Leu (NM_134260.3); c.341A>T, p.Gln114Leu (NM_134262.3); short protein forms Q114L, Q169L, Q194L, Q202L.
Identifiers: ClinVar variation 2663181 (VCV002663181.2), dbSNP rs2065698854, ClinGen allele CA392670972.

ClinVar aggregate classification (germline): Uncertain significance (1 of 4 stars; one submission).

Submission:

GeneDx
Classification: Uncertain significance. Last evaluated: 2026-10-09. Review status: criteria provided, single submitter. Criteria: GeneDx Variant Classification Process June 2021. Collection method: clinical testing. Allele origin: germline.
Comment: Not observed at significant frequency in large population cohorts (gnomAD); In silico analysis supports that this missense variant has a deleterious effect on protein structure/function; Has not been previously published as pathogenic or benign to our knowledge